The following is an entry in ClinVar:

ClinVar aggregate classification (germline): Pathogenic/Likely pathogenic. Review status: criteria provided, multiple submitters, no conflicts (2 of 4 stars). 3 submissions from 3 submitters: Pathogenic (2); Likely pathogenic (1). Last evaluated 2023-10-28.

Conditions:
Charcot-Marie-Tooth disease axonal type 2N (CMT2N). Also called: CHARCOT-MARIE-TOOTH DISEASE, AXONAL, AUTOSOMAL DOMINANT, TYPE 2N; CHARCOT-MARIE-TOOTH NEUROPATHY, AXONAL, TYPE 2N; Charcot-Marie-Tooth Neuropathy Type 2N. Identifiers: Orphanet 228174, MedGen C2750090, MONDO:0013212, OMIM 613287.
Charcot-Marie-Tooth disease type 2. Also called: Charcot-Marie-Tooth type 2. Identifiers: Orphanet 64746, MedGen C0270914, MONDO:0018993.
Inborn genetic diseases. Identifiers: MedGen C0950123, MeSH D030342.

gnomAD v4.1: 3 of 1,614,036 alleles (0.00019%); highest among the groups gnomAD compares: Non-Finnish European, 0.00025%; no homozygotes.

Submissions (3):

Labcorp Genetics (formerly Invitae), Labcorp
Classification: Pathogenic for Charcot-Marie-Tooth disease type 2. Last evaluated: 2023-10-28. Review status: criteria provided, single submitter. Criteria: Invitae Variant Classification Sherloc (09022015). Collection method: clinical testing. Allele origin: germline.
Comment: This sequence change creates a premature translational stop signal (p.Tyr322*) in the AARS gene. It is expected to result in an absent or disrupted protein product. Loss-of-function variants in AARS are known to be pathogenic (PMID: 25817015, 28493438, 34446925). This variant is not present in population databases (gnomAD no frequency). This variant has not been reported in the literature in individuals affected with AARS-related conditions. ClinVar contains an entry for this variant (Variation ID: 2231150). Algorithms developed to predict the effect of sequence changes on RNA splicing suggest that this variant may create or strengthen a splice site. For these reasons, this variant has been classified as Pathogenic.

Department of Pathology and Laboratory Medicine, Sinai Health System
Classification: Likely pathogenic for Charcot-Marie-Tooth disease axonal type 2N. Last evaluated: 2023-09-05. Review status: criteria provided, single submitter. Criteria: ACMG Guidelines, 2015. Collection method: research. Allele origin: germline.

Ambry Genetics
Classification: Pathogenic for Inborn genetic diseases. Last evaluated: 2021-06-03. Review status: criteria provided, single submitter. Criteria: Ambry Variant Classification Scheme 2023. Collection method: clinical testing. Allele origin: germline.
Comment: The c.966T>G (p.Y322*) alteration, located in exon 8 (coding exon 7) of the AARS gene, consists of a T to G substitution at nucleotide position 966. This changes the amino acid from a tyrosine (Y) to a stop codon at amino acid position 322. This alteration is expected to result in loss of function by premature protein truncation or nonsense-mediated mRNA decay. Although biallelic loss of function alterations in AARS1 have been associated with cytoplasmic alanyl-tRNA synthetase deficiency, haploinsufficiency has not been clearly established as a mechanism of disease for autosomal dominant Charcot-Marie-Tooth disease. Based on the supporting evidence, this variant is classified as pathogenic for cytoplasmic alanyl-tRNA synthetase deficiency; however, its clinical significance for autosomal dominant Charcot-Marie-Tooth disease is unclear. Based on data from the Genome Aggregation Database (gnomAD), the AARS c.966T>G alteration was not observed, with coverage at this position. Based on the available evidence, this alteration is classified as pathogenic.

Literature cited by the submitters: PubMed 25817015 (cited by Labcorp Genetics (formerly Invitae), Labcorp); PubMed 28493438 (cited by Labcorp Genetics (formerly Invitae), Labcorp); PubMed 34446925 (cited by Labcorp Genetics (formerly Invitae), Labcorp).

NM_001605.3(AARS1):c.966T>G (p.Tyr322Ter)

Gene: AARS1 (alanyl-tRNA synthetase 1; minus strand). Cytogenetic location: 16q22.1.
Variant type: single nucleotide variant.
Coding change: c.966T>G on transcript NM_001605.3 (MANE Select); coding-DNA position 966, T replaced by G.
Protein change: p.Tyr322Ter; replaces tyrosine 322 with a stop codon.
Molecular consequence: nonsense.
Genome position (GRCh38, 1-based): chr16:70,268,376, A>C on the plus strand (T>G on the coding strand, the complement: AARS1 is on the minus strand). VCF-style: chr16-70268376-A-C. GRCh37 (hg19) VCF-style: chr16-70302279-A-C.
Other names: short protein forms Y322*.
Identifiers: ClinVar variation 2231150 (VCV002231150.6), dbSNP rs145859060, ClinGen allele CA396564290.
Genomic context (GRCh38, chr16:70,268,376, plus strand): 5'-GCTGGCATTGAGCTTTTCATGGGCGTATCGGACAGCTCGGCGGAGAATCCGTCTCAACAC[A>C]TATCTGTAAGAGGCAAAAACTAGTCCCCAACGTTCCCAGCTGAGGGTTTTGTCTTGAGTC-3'